The following is an entry in ClinVar:

ClinVar aggregate classification (germline): Benign. Review status: criteria provided, multiple submitters, no conflicts (2 of 4 stars). 2 submissions from 2 submitters: Benign (2). Last evaluated 2024-07-15.

Submissions (2):

Unidad de Genómica Garrahan, Hospital de Pediatría Garrahan
Classification: Benign. Last evaluated: 2024-07-15. Review status: criteria provided, single submitter. Criteria: ACMG Guidelines, 2015. Collection method: clinical testing. Allele origin: germline. Affected: no. Observed: 44 variant alleles.
Comment: This variant is classified as Benign based on local population frequency. This variant was detected in 47% of patients studied in a panel designed for Epileptic and Developmental Encephalopathy and Progressive Myoclonus Epilepsy. Number of patients: 44. Only high quality variants are reported.

GeneDx
Classification: Benign. Last evaluated: 2019-08-10. Review status: criteria provided, single submitter. Criteria: GeneDx Variant Classification Process June 2021. Collection method: clinical testing. Allele origin: germline. Affected: yes.

NM_001040142.2(SCN2A):c.2149+182_2149+183del

Gene: SCN2A (sodium voltage-gated channel alpha subunit 2; plus strand). Cytogenetic location: 2q24.3.
Variant type: Deletion.
Coding change: c.2149+182_2149+183del on transcript NM_001040142.2 (MANE Select); bases 182 to 183 of the intron after coding-DNA position 2149, 2 bases deleted (TT; older notation c.2149+182_2149+183delTT).
Molecular consequence: intron variant.
Genome position (GRCh38, 1-based): chr2:165,327,166-165,327,167, TT deleted; deleting any 2 consecutive bases within chr2:165,327,156-165,327,167 gives the same sequence; the c. name uses the placement nearest the transcript's 3' end. VCF-style (leftmost placement, unchanged base first): chr2-165327155-ATT-A. GRCh37 (hg19) VCF-style: chr2-166183665-ATT-A.
Other names: c.2149+182_2149+183del (NM_001040143.2, NM_001371246.1, NM_001371247.1 and 1 more transcripts).
Identifiers: ClinVar variation 1295499 (VCV001295499.4), dbSNP rs66861006, ClinGen allele CA59739075.